The following is an entry in ClinVar:

NM_001042492.3(NF1):c.1481dup (p.Leu494fs)

Gene: NF1 (neurofibromin 1; plus strand). Cytogenetic location: 17q11.2.
Variant type: Duplication.
Coding change: c.1481dup on transcript NM_001042492.3 (MANE Select); coding-DNA position 1481, one base duplicated (T; older notation c.1481dupT).
Protein change: p.Leu494fs; shifts the reading frame from leucine 494.
Molecular consequence: frameshift variant.
Genome position (GRCh38, 1-based): chr17:31,214,539, T duplicated; the last of 2 consecutive T bases (chr17:31,214,538-31,214,539); duplicating either gives the same sequence. VCF-style (leftmost placement, unchanged base first): chr17-31214537-C-CT. GRCh37 (hg19) VCF-style: chr17-29541555-C-CT.
Other names: c.1481dup, p.Leu494fs (NM_001128147.3); c.1481dup, p.Leu494Phefs (NM_000267.4); short protein forms L494fs.
Identifiers: ClinVar variation 3767609 (VCV003767609.1).

ClinVar aggregate classification (germline): Pathogenic (1 of 4 stars; one submission).

Submission:

GeneDx
Classification: Pathogenic. Last evaluated: 2024-09-06. Review status: criteria provided, single submitter. Criteria: GeneDx Variant Classification Process June 2021. Collection method: clinical testing. Allele origin: germline. Affected: yes.
Comment: Frameshift variant predicted to result in protein truncation or nonsense mediated decay in a gene for which loss-of-function is a known mechanism of disease; Not observed at significant frequency in large population cohorts (gnomAD); Has not been previously published as pathogenic or benign to our knowledge